The following is an entry in ClinVar:

ClinVar aggregate classification (germline): Likely pathogenic (1 of 4 stars; one submission).

Allele frequency attached by ClinVar (database versions not stated): gnomAD 0.00001; gnomAD exomes 0.00001; TOPMed 0.00001.

Submission:

GeneDx
Classification: Likely pathogenic. Last evaluated: 2022-08-12. Review status: criteria provided, single submitter. Criteria: GeneDx Variant Classification Process June 2021. Collection method: clinical testing. Allele origin: germline. Affected: yes.
Comment: Frameshift variant predicted to result in protein truncation, as the last 106 amino acids are replaced with 105 different amino acids, and other loss-of-function variants have been reported downstream in HGMD; Not observed in large population cohorts (gnomAD); Has not been previously published as pathogenic or benign to our knowledge

NM_022834.5(VWA1):c.1014_1017dup (p.Ile340fs)

Gene: VWA1 (von Willebrand factor A domain containing 1; plus strand). Cytogenetic location: 1p36.33.
Variant type: Duplication.
Coding change: c.1014_1017dup on transcript NM_022834.5 (MANE Select); coding-DNA positions 1014 to 1017, 4 bases duplicated (CGTC; older notation c.1014_1017dupCGTC).
Protein change: p.Ile340fs; shifts the reading frame from isoleucine 340.
Molecular consequence: frameshift variant. On other transcripts: 3 prime UTR variant (1).
Genome position (GRCh38, 1-based): chr1:1,439,463-1,439,466, CGTC duplicated. VCF-style (leftmost placement, unchanged base first): chr1-1439462-T-TCGTC. GRCh37 (hg19) VCF-style: chr1-1374842-T-TCGTC.
Other names: c.*424_*427dup (NM_199121.3); short protein forms I340fs.
Identifiers: ClinVar variation 1318173 (VCV001318173.3), dbSNP rs1638612983, ClinGen allele CA997695485.